The following is an entry in ClinVar:

NM_017763.6(RNF43):c.64C>G (p.Gln22Glu)

Gene: RNF43 (ring finger protein 43; minus strand). Cytogenetic location: 17q22.
Variant type: single nucleotide variant.
Coding change: c.64C>G on transcript NM_017763.6 (MANE Select); coding-DNA position 64, C replaced by G.
Protein change: p.Gln22Glu; replaces glutamine 22 with glutamic acid.
Molecular consequence: missense variant. On other transcripts: intron variant (1).
Genome position (GRCh38, 1-based): chr17:58,415,514, G>C on the plus strand (C>G on the coding strand, the complement: RNF43 is on the minus strand). VCF-style: chr17-58415514-G-C. GRCh37 (hg19) VCF-style: chr17-56492875-G-C.
Other names: c.64C>G, p.Gln22Glu (NM_001305544.3, NM_001438820.1, NM_001438821.1 and 1 more transcripts); c.-130+1503C>G (NM_001437987.1); short protein forms Q22E.
Identifiers: ClinVar variation 4155812 (VCV004155812.1).

ClinVar aggregate classification (germline): Uncertain significance (1 of 4 stars; one submission).

Submission:

Ambry Genetics
Classification: Uncertain significance. Last evaluated: 2025-09-10. Review status: criteria provided, single submitter. Criteria: Ambry Variant Classification Scheme 2023. Collection method: clinical testing. Allele origin: germline.
Comment: The p.Q22E variant (also known as c.64C>G), located in coding exon 1 of the RNF43 gene, results from a C to G substitution at nucleotide position 64. The glutamine at codon 22 is replaced by glutamic acid, an amino acid with highly similar properties. This amino acid position is conserved. In addition, this alteration is predicted to be tolerated by in silico analysis. Based on the available evidence, the clinical significance of this variant remains unclear.